The following is an entry in ClinVar:

ClinVar aggregate classification (germline): Uncertain significance (1 of 4 stars; one submission).

Conditions:
Inborn genetic diseases. Identifiers: MedGen C0950123, MeSH D030342.

Submission:

Ambry Genetics
Classification: Uncertain significance for Inborn genetic diseases. Last evaluated: 2025-08-03. Review status: criteria provided, single submitter. Criteria: Ambry Variant Classification Scheme 2023. Collection method: clinical testing. Allele origin: germline.
Comment: The p.R640T variant (also known as c.1919G>C), located in coding exon 22 of the FANCA gene, results from a G to C substitution at nucleotide position 1919. The arginine at codon 640 is replaced by threonine, an amino acid with similar properties. This amino acid position is conserved. In addition, this alteration is predicted to be tolerated by in silico analysis. Based on the available evidence, the clinical significance of this variant remains unclear.

NM_000135.4(FANCA):c.1919G>C (p.Arg640Thr)

Gene: FANCA (FA complementation group A; minus strand). Cytogenetic location: 16q24.3.
Variant type: single nucleotide variant.
Coding change: c.1919G>C on transcript NM_000135.4 (MANE Select); coding-DNA position 1919, G replaced by C.
Protein change: p.Arg640Thr; replaces arginine 640 with threonine.
Molecular consequence: missense variant.
Genome position (GRCh38, 1-based): chr16:89,773,366, C>G on the plus strand (G>C on the coding strand, the complement: FANCA is on the minus strand). VCF-style: chr16-89773366-C-G. GRCh37 (hg19) VCF-style: chr16-89839774-C-G.
Other names: c.1919G>C, p.Arg640Thr (NM_001286167.3); short protein forms R640T.
Identifiers: ClinVar variation 4254258 (VCV004254258.1).